The following is an entry in ClinVar:

NM_030665.4(RAI1):c.813G>C (p.Ser271=)

Gene: RAI1 (retinoic acid induced 1; plus strand). Cytogenetic location: 17p11.2.
Variant type: single nucleotide variant.
Coding change: c.813G>C on transcript NM_030665.4 (MANE Select); coding-DNA position 813, G replaced by C.
Protein change: p.Ser271=; no amino-acid change (serine 271 retained).
Molecular consequence: synonymous variant.
Genome position (GRCh38, 1-based): chr17:17,793,761, G>C. VCF-style: chr17-17793761-G-C. GRCh37 (hg19) VCF-style: chr17-17697075-G-C.
Other names: c.813G>C (NM_030665.3).
Identifiers: ClinVar variation 1920456 (VCV001920456.7), dbSNP rs557499896, ClinGen allele CA8418203.

ClinVar aggregate classification (germline): Likely benign. Review status: criteria provided, single submitter (1 of 4 stars). 2 submissions from 2 submitters: Likely benign (1). 1 of the submissions does not count toward it. Last evaluated 2025-07-21.

Conditions:
RAI1-related disorder. Also called: RAI1-related condition.

gnomAD v4.1: 8 of 1,610,338 alleles (0.0005%); highest among the groups gnomAD compares: African/African-American, 0.0014%; no homozygotes.

Submissions (2):

Labcorp Genetics (formerly Invitae), Labcorp
Classification: Likely benign. Last evaluated: 2025-07-21. Review status: criteria provided, single submitter. Criteria: Invitae Variant Classification Sherloc (09022015). Collection method: clinical testing. Allele origin: germline.

PreventionGenetics, part of Exact Sciences
Classification: Likely benign for RAI1-related condition. Last evaluated: 2024-01-08. Review status: no assertion criteria provided. Collection method: clinical testing. Allele origin: germline. Not counted in ClinVar's aggregate classification.
Comment: This variant is classified as likely benign based on ACMG/AMP sequence variant interpretation guidelines (Richards et al. 2015 PMID: 25741868, with internal and published modifications).